The following is an entry in ClinVar:

ClinVar aggregate classification (germline): Likely pathogenic (1 of 4 stars; one submission).

Conditions:
Maple syrup urine disease (MSUD). Identifiers: Orphanet 511, MedGen C0024776, MeSH D008375, MONDO:0009563. Disease mechanism: loss of function.

Submission:

Myriad Genetics, Inc.
Classification: Likely pathogenic for Maple syrup urine disease type 1A. Last evaluated: 2022-02-24. Review status: criteria provided, single submitter. Criteria: Myriad Women's Health Autosomal Recessive and X-Linked Classification Criteria (2021). Collection method: clinical testing. Allele origin: unknown.
Comment: NM_001918.3(DBT):c.775_778delTTTC(F259Kfs*12) is expected to be pathogenic in the context of maple syrup urine disease type II. This variant is predicted to lead to an abnormal or absent protein product due to the creation of a premature termination codon in DBT, a gene where loss-of-function variants are known to be pathogenic. Please note: this variant was assessed in the context of healthy population screening.

NM_001918.5(DBT):c.775_778del (p.Phe259fs)

Gene: DBT (dihydrolipoamide branched chain transacylase E2; minus strand). Cytogenetic location: 1p21.2.
Variant type: Deletion.
Coding change: c.775_778del on transcript NM_001918.5 (MANE Select); coding-DNA positions 775 to 778, 4 bases deleted (TTTC; older notation c.775_778delTTTC).
Protein change: p.Phe259fs; shifts the reading frame from phenylalanine 259.
Molecular consequence: frameshift variant. On other transcripts: non-coding transcript variant (4).
Genome position (GRCh38, 1-based): chr1:100,214,978-100,214,981, GAAA deleted on the plus strand (TTTC on the coding strand, the reverse complement: DBT is on the minus strand); deleting any 4 consecutive bases within chr1:100,214,978-100,214,982 gives the same sequence; the c. name uses the placement nearest the transcript's 3' end. VCF-style (leftmost placement, unchanged base first): chr1-100214977-TGAAA-T. GRCh37 (hg19) VCF-style: chr1-100680533-TGAAA-T.
Other names: c.232_235del, p.Phe78fs (NM_001399969.1, NM_001399972.1); short protein forms F259fs, F78fs.
Identifiers: ClinVar variation 1724641 (VCV001724641.2), dbSNP rs2524148167, ClinGen allele CA2580060685.
Genomic context (GRCh38, chr1:100,214,977, plus strand): 5'-TCACAATAACCAAAATGAGGTATCTTCAGGGCTGCAGACATAGTCTTGACCATTGCTTTT[TGAAA>T]GCCTGAAAAGCATTAAATTGTTATTCATTTATTTAAATTCTCAAATCTCTTCATCCTTTT-3'